The following is an entry in ClinVar:

ClinVar aggregate classification (germline): Uncertain significance. Review status: criteria provided, multiple submitters, no conflicts (2 of 4 stars). 3 submissions from 3 submitters: Uncertain significance (3). Last evaluated 2023-09-10.

Conditions:
Inborn genetic diseases. Identifiers: MedGen C0950123, MeSH D030342.
Early-infantile DEE. Also called: Early infantile epileptic encephalopathy; Ohtahara syndrome; Early infantile epileptic encephalopathy with suppression bursts. Identifiers: Orphanet 1934, MedGen C0393706, MONDO:0800491.
Developmental and epileptic encephalopathy, 5 (DEE5). Identifiers: Orphanet 3451, MedGen C3150731, MONDO:0013277, OMIM 613477.

Allele frequency attached by ClinVar (database versions not stated): TOPMed 0.00002.
gnomAD v4.1: 2 of 1,614,250 alleles (0.00012%); highest among the groups gnomAD compares: Admixed American, 0.0017%; no homozygotes.

Submissions (3):

Labcorp Genetics (formerly Invitae), Labcorp
Classification: Uncertain significance for Early-infantile DEE. Last evaluated: 2023-09-10. Review status: criteria provided, single submitter. Criteria: Invitae Variant Classification Sherloc (09022015). Collection method: clinical testing. Allele origin: germline.
Comment: Advanced modeling of protein sequence and biophysical properties (such as structural, functional, and spatial information, amino acid conservation, physicochemical variation, residue mobility, and thermodynamic stability) has been performed at Invitae for this missense variant, however the output from this modeling did not meet the statistical confidence thresholds required to predict the impact of this variant on SPTAN1 protein function. ClinVar contains an entry for this variant (Variation ID: 589016). This variant has not been reported in the literature in individuals affected with SPTAN1-related conditions. This variant is not present in population databases (gnomAD no frequency). This sequence change replaces glutamine, which is neutral and polar, with arginine, which is basic and polar, at codon 845 of the SPTAN1 protein (p.Gln845Arg). In summary, the available evidence is currently insufficient to determine the role of this variant in disease. Therefore, it has been classified as a Variant of Uncertain Significance.

Genome-Nilou Lab
Classification: Uncertain significance for Developmental and epileptic encephalopathy, 5. Last evaluated: 2021-07-15. Review status: criteria provided, single submitter. Criteria: ACMG Guidelines, 2015. Collection method: clinical testing. Allele origin: germline. Affected: no.

Ambry Genetics
Classification: Uncertain significance for Inborn genetic diseases. Last evaluated: 2017-05-23. Review status: criteria provided, single submitter. Criteria: Ambry Variant Classification Scheme 2023. Collection method: clinical testing. Allele origin: germline.
Comment: The p.Q845R variant (also known as c.2534A>G), located in coding exon 17 of the SPTAN1 gene, results from an A to G substitution at nucleotide position 2534. The glutamine at codon 845 is replaced by arginine, an amino acid with highly similar properties. This amino acid position is highly conserved in available vertebrate species. In addition, this alteration is predicted to be tolerated by in silico analysis. Since supporting evidence is limited at this time, the clinical significance of this alteration remains unclear.

NM_001130438.3(SPTAN1):c.2534A>G (p.Gln845Arg)

Gene: SPTAN1 (spectrin alpha, non-erythrocytic 1; plus strand). Cytogenetic location: 9q34.11.
Variant type: single nucleotide variant.
Coding change: c.2534A>G on transcript NM_001130438.3 (MANE Select); coding-DNA position 2534, A replaced by G.
Protein change: p.Gln845Arg; replaces glutamine 845 with arginine.
Molecular consequence: missense variant.
Genome position (GRCh38, 1-based): chr9:128,584,817, A>G. VCF-style: chr9-128584817-A-G. GRCh37 (hg19) VCF-style: chr9-131347096-A-G.
Other names: c.2534A>G, p.Gln845Arg (NM_001195532.2, NM_001363759.2, NM_001363765.2 and 1 more transcripts); short protein forms Q845R.
Identifiers: ClinVar variation 589016 (VCV000589016.15), dbSNP rs1564229501, ClinGen allele CA375057965.
Genomic context (GRCh38, chr9:128,584,817, plus strand): 5'-AACATCAAGCCTTACAAGCAGAAATTGCTGGACATGAACCACGCATCAAAGCAGTTACAC[A>G]GAAGGGGAATGCCATGGTGGAGGAAGGTGAGTGATTGGTATCAGTGACATGGCTTGGTGC-3'
Protein context (NP_001123910.1, residues 835-855): GHEPRIKAVT[Gln845Arg]KGNAMVEEGH